The following is an entry in ClinVar:

ClinVar aggregate classification (germline): Uncertain significance (1 of 4 stars; one submission).

Submission:

Women's Health and Genetics/Laboratory Corporation of America, LabCorp
Classification: Uncertain significance. Last evaluated: 2023-09-08. Review status: criteria provided, single submitter. Criteria: LabCorp Variant Classification Summary - May 2015. Collection method: clinical testing. Allele origin: germline.
Comment: Variant summary: AGO1 c.614G>T (p.Arg205Leu) results in a non-conservative amino acid change located in the Argonaute, linker 1 domain (IPR014811) of the encoded protein sequence. Four of five in-silico tools predict a damaging effect of the variant on protein function. The variant was absent in 250894 control chromosomes (gnomAD). The available data on variant occurrences in the general population are insufficient to allow any conclusion about variant significance. To our knowledge, no occurrence of c.614G>T in individuals affected with Neurodevelopmental Disorder With Language Delay And Behavioral Abnormalities, With Or Without Seizures and no experimental evidence demonstrating its impact on protein function have been reported. No submitters have cited clinical-significance assessments for this variant to ClinVar after 2014. Based on the evidence outlined above, the variant was classified as uncertain significance.

NM_012199.5(AGO1):c.614G>T (p.Arg205Leu)

Gene: AGO1 (argonaute RISC component 1; plus strand). Cytogenetic location: 1p34.3.
Variant type: single nucleotide variant.
Coding change: c.614G>T on transcript NM_012199.5 (MANE Select); coding-DNA position 614, G replaced by T.
Protein change: p.Arg205Leu; replaces arginine 205 with leucine.
Molecular consequence: missense variant.
Genome position (GRCh38, 1-based): chr1:35,893,775, G>T. VCF-style: chr1-35893775-G-T. GRCh37 (hg19) VCF-style: chr1-36359376-G-T.
Other names: c.614G>T, p.Arg205Leu (NM_001317122.2); c.389G>T, p.Arg130Leu (NM_001317123.2); short protein forms R130L, R205L.
Identifiers: ClinVar variation 2627169 (VCV002627169.1), dbSNP rs1385468503, ClinGen allele CA339367609.